The following is an entry in ClinVar:

ClinVar aggregate classification (germline): Pathogenic (1 of 4 stars; one submission).

Submission:

Labcorp Genetics (formerly Invitae), Labcorp
Classification: Pathogenic. Last evaluated: 2024-03-06. Review status: criteria provided, single submitter. Criteria: Invitae Variant Classification Sherloc (09022015). Collection method: clinical testing. Allele origin: germline.
Comment: This sequence change creates a premature translational stop signal (p.Trp443*) in the TMPRSS3 gene. While this is not anticipated to result in nonsense mediated decay, it is expected to disrupt the last 12 amino acid(s) of the TMPRSS3 protein. This variant is not present in population databases (gnomAD no frequency). This variant has not been reported in the literature in individuals affected with TMPRSS3-related conditions. This variant disrupts a region of the TMPRSS3 protein in which other variant(s) (p.Glu446Lys) have been determined to be pathogenic (PMID: 22382023). This suggests that this is a clinically significant region of the protein, and that variants that disrupt it are likely to be disease-causing. For these reasons, this variant has been classified as Pathogenic.

Literature cited by the submitters: PubMed 22382023.

NM_001256317.3(TMPRSS3):c.1325G>A (p.Trp442Ter)

Gene: TMPRSS3 (transmembrane serine protease 3; minus strand). Cytogenetic location: 21q22.3.
Variant type: single nucleotide variant.
Coding change: c.1325G>A on transcript NM_001256317.3 (MANE Select); coding-DNA position 1325, G replaced by A.
Protein change: p.Trp442Ter; replaces tryptophan 442 with a stop codon.
Molecular consequence: nonsense.
Genome position (GRCh38, 1-based): chr21:42,375,735, C>T on the plus strand (G>A on the coding strand, the complement: TMPRSS3 is on the minus strand). VCF-style: chr21-42375735-C-T. GRCh37 (hg19) VCF-style: chr21-43795844-C-T.
Other names: c.1328G>A, p.Trp443Ter (NM_024022.4); c.947G>A, p.Trp316Ter (NM_032404.3); short protein forms W316*, W443*, W442*.
Identifiers: ClinVar variation 3643892 (VCV003643892.2).